The following is an entry in ClinVar:

NM_000218.3(KCNQ1):c.684-4G>T

Gene: KCNQ1 (potassium voltage-gated channel subfamily Q member 1; plus strand). Cytogenetic location: 11p15.5.
Variant type: single nucleotide variant.
Coding change: c.684-4G>T on transcript NM_000218.3 (MANE Select); 4 bases into the intron before coding-DNA position 684, G replaced by T.
Molecular consequence: intron variant.
Genome position (GRCh38, 1-based): chr11:2,572,009, G>T. VCF-style: chr11-2572009-G-T. GRCh37 (hg19) VCF-style: chr11-2593239-G-T.
Other names: c.414-4G>T (NM_001406837.1); c.684-4G>T (NM_001406836.1); c.478-11426G>T (NM_001406838.1); c.303-4G>T (NM_181798.2).
Identifiers: ClinVar variation 924714 (VCV000924714.13), dbSNP rs750965939, ClinGen allele CA597109390.

ClinVar aggregate classification (germline): Likely benign. Review status: criteria provided, multiple submitters, no conflicts (2 of 4 stars). 3 submissions from 3 submitters: Likely benign (3). Last evaluated 2026-01-07.

Conditions:
Long QT syndrome (LQTS). Identifiers: MedGen C0023976, MeSH D008133, MONDO:0002442. Disease mechanism: loss of function. Inheritance: Various modes of inheritance.
Cardiac arrhythmia. Also called: Cardiac rhythm disease; Arrhythmia. Identifiers: MedGen C0003811, MONDO:0007263, HP:0011675.

gnomAD v4.1: 6 of 1,611,382 alleles (0.00037%); highest among the groups gnomAD compares: African/African-American, 0.0053%; no homozygotes.

Submissions (3):

Labcorp Genetics (formerly Invitae), Labcorp
Classification: Likely benign for Long QT syndrome. Last evaluated: 2026-01-07. Review status: criteria provided, single submitter. Criteria: Invitae Variant Classification Sherloc (09022015). Collection method: clinical testing. Allele origin: germline.

All of Us Research Program, National Institutes of Health
Classification: Likely benign for Long QT syndrome. Last evaluated: 2023-07-10. Review status: criteria provided, single submitter. Criteria: ACMG Guidelines, 2015. Collection method: clinical testing. Allele origin: germline. Inheritance: Autosomal dominant inheritance. Observed: 1 variant allele, 1 heterozygote.
Comment: This study involves interpretation of variants in research participants for the purpose of population health screening. Participant phenotype was not available at the time of variant classification. Additional details can be found in publication PMID: 35346344, PMCID: PMC8962531

Color Diagnostics, LLC DBA Color Health
Classification: Likely benign for Arrhythmia. Last evaluated: 2019-12-29. Review status: criteria provided, single submitter. Criteria: ACMG Guidelines, 2015. Collection method: clinical testing. Allele origin: germline.